The following is an entry in ClinVar:

NM_002599.5(PDE2A):c.2648A>T (p.Glu883Val)

Gene: PDE2A (phosphodiesterase 2A; minus strand). Cytogenetic location: 11q13.4.
Variant type: single nucleotide variant.
Coding change: c.2648A>T on transcript NM_002599.5 (MANE Select); coding-DNA position 2648, A replaced by T.
Protein change: p.Glu883Val; replaces glutamic acid 883 with valine.
Molecular consequence: missense variant.
Genome position (GRCh38, 1-based): chr11:72,577,562, T>A on the plus strand (A>T on the coding strand, the complement: PDE2A is on the minus strand). VCF-style: chr11-72577562-T-A. GRCh37 (hg19) VCF-style: chr11-72288606-T-A.
Other names: c.2627A>T, p.Glu876Val (NM_001143839.4); c.2621A>T, p.Glu874Val (NM_001146209.3); c.2585A>T, p.Glu862Val (NM_001243784.2); short protein forms E883V, E862V, E874V, E876V.
Identifiers: ClinVar variation 2823025 (VCV002823025.3), dbSNP rs2496218767, ClinGen allele CA381746189.

ClinVar aggregate classification (germline): Uncertain significance (1 of 4 stars; one submission).

Submission:

Labcorp Genetics (formerly Invitae), Labcorp
Classification: Uncertain significance. Last evaluated: 2022-12-30. Review status: criteria provided, single submitter. Criteria: Invitae Variant Classification Sherloc (09022015). Collection method: clinical testing. Allele origin: germline.
Comment: In summary, the available evidence is currently insufficient to determine the role of this variant in disease. Therefore, it has been classified as a Variant of Uncertain Significance. This sequence change replaces glutamic acid, which is acidic and polar, with valine, which is neutral and non-polar, at codon 883 of the PDE2A protein (p.Glu883Val). This variant is not present in population databases (gnomAD no frequency). This variant has not been reported in the literature in individuals affected with PDE2A-related conditions. Algorithms developed to predict the effect of missense changes on protein structure and function are either unavailable or do not agree on the potential impact of this missense change (SIFT: "Deleterious"; PolyPhen-2: "Benign"; Align-GVGD: "Class C0").